The following is an entry in ClinVar:

ClinVar aggregate classification (germline): Uncertain significance (1 of 4 stars; one submission).

gnomAD v4.1: 1 of 1,614,110 alleles (0.000062%); highest among the groups gnomAD compares: Middle Eastern, 0.016%; no homozygotes.

Submission:

Ambry Genetics
Classification: Uncertain significance. Last evaluated: 2022-05-12. Review status: criteria provided, single submitter. Criteria: Ambry Variant Classification Scheme 2023. Collection method: clinical testing. Allele origin: germline.
Comment: The p.V308L variant (also known as c.922G>C), located in coding exon 7 of the RINT1 gene, results from a G to C substitution at nucleotide position 922. The valine at codon 308 is replaced by leucine, an amino acid with highly similar properties. This amino acid position is conserved. In addition, this alteration is predicted to be tolerated by in silico analysis. Since supporting evidence is limited at this time, the clinical significance of this alteration remains unclear.

NM_021930.6(RINT1):c.922G>C (p.Val308Leu)

Gene: RINT1 (RAD50 interactor 1; plus strand). Cytogenetic location: 7q22.3.
Variant type: single nucleotide variant.
Coding change: c.922G>C on transcript NM_021930.6 (MANE Select); coding-DNA position 922, G replaced by C.
Protein change: p.Val308Leu; replaces valine 308 with leucine.
Molecular consequence: missense variant. On other transcripts: 5 prime UTR variant (2), non-coding transcript variant (1), intron variant (1).
Genome position (GRCh38, 1-based): chr7:105,548,636, G>C. VCF-style: chr7-105548636-G-C. GRCh37 (hg19) VCF-style: chr7-105189083-G-C.
Other names: c.688G>C, p.Val230Leu (NM_001346599.2); c.-98G>C (NM_001346600.2); c.-3G>C (NM_001346601.2); c.-27-1419G>C (NM_001346603.2); short protein forms V230L, V308L.
Identifiers: ClinVar variation 1766267 (VCV001766267.2), dbSNP rs2133393711, ClinGen allele CA368807987.